The following is an entry in ClinVar:

NM_004836.7(EIF2AK3):c.1546G>C (p.Val516Leu)

Gene: EIF2AK3 (eukaryotic translation initiation factor 2 alpha kinase 3; minus strand). Cytogenetic location: 2p11.2.
Variant type: single nucleotide variant.
Coding change: c.1546G>C on transcript NM_004836.7 (MANE Select); coding-DNA position 1546, G replaced by C.
Protein change: p.Val516Leu; replaces valine 516 with leucine.
Molecular consequence: missense variant.
Genome position (GRCh38, 1-based): chr2:88,585,945, C>G on the plus strand (G>C on the coding strand, the complement: EIF2AK3 is on the minus strand). VCF-style: chr2-88585945-C-G. GRCh37 (hg19) VCF-style: chr2-88885463-C-G.
Other names: c.1093G>C, p.Val365Leu (NM_001313915.2); c.1546G>C (NM_004836.5); short protein forms V516L, V365L.
Identifiers: ClinVar variation 1916696 (VCV001916696.3), dbSNP rs769150243, ClinGen allele CA1754673.

ClinVar aggregate classification (germline): Uncertain significance. Review status: criteria provided, multiple submitters, no conflicts (2 of 4 stars). 2 submissions from 2 submitters: Uncertain significance (2). Last evaluated 2023-11-06.

Conditions:
Inborn genetic diseases. Identifiers: MedGen C0950123, MeSH D030342.

Allele frequency attached by ClinVar (database versions not stated): gnomAD 0.00001; ExAC 0.00002; TOPMed 0.00002.
gnomAD v4.1: 9 of 1,613,978 alleles (0.00056%); highest among the groups gnomAD compares: East Asian, 0.0022%; no homozygotes.

Submissions (2):

Ambry Genetics
Classification: Uncertain significance for Inborn genetic diseases. Last evaluated: 2023-11-06. Review status: criteria provided, single submitter. Criteria: Ambry Variant Classification Scheme 2023. Collection method: clinical testing. Allele origin: germline.

Labcorp Genetics (formerly Invitae), Labcorp
Classification: Uncertain significance. Last evaluated: 2022-04-21. Review status: criteria provided, single submitter. Criteria: Invitae Variant Classification Sherloc (09022015). Collection method: clinical testing. Allele origin: germline.
Comment: This sequence change replaces valine, which is neutral and non-polar, with leucine, which is neutral and non-polar, at codon 516 of the EIF2AK3 protein (p.Val516Leu). This variant is present in population databases (rs769150243, gnomAD 0.006%). This variant has not been reported in the literature in individuals affected with EIF2AK3-related conditions. Algorithms developed to predict the effect of missense changes on protein structure and function are either unavailable or do not agree on the potential impact of this missense change (SIFT: "Deleterious"; PolyPhen-2: "Benign"; Align-GVGD: "Class C0"). In summary, the available evidence is currently insufficient to determine the role of this variant in disease. Therefore, it has been classified as a Variant of Uncertain Significance.